The following is an entry in ClinVar:

NM_000988.5(RPL27):c.336G>A (p.Arg112=)

Gene: RPL27 (ribosomal protein L27; plus strand). Cytogenetic location: 17q21.31.
Variant type: single nucleotide variant.
Coding change: c.336G>A on transcript NM_000988.5 (MANE Select); coding-DNA position 336, G replaced by A.
Protein change: p.Arg112=; no amino-acid change (arginine 112 retained).
Molecular consequence: synonymous variant. On other transcripts: non-coding transcript variant (1).
Genome position (GRCh38, 1-based): chr17:43,002,757, G>A. VCF-style: chr17-43002757-G-A. GRCh37 (hg19) VCF-style: chr17-41154774-G-A.
Other names: c.336G>A, p.Arg112= (NM_001349921.2, NM_001349922.2).
Identifiers: ClinVar variation 2071322 (VCV002071322.6), dbSNP rs142006401, ClinGen allele CA8588993.

ClinVar aggregate classification (germline): Likely benign. Review status: criteria provided, multiple submitters, no conflicts (2 of 4 stars). 3 submissions from 3 submitters: Likely benign (3). Last evaluated 2026-07-01.

Allele frequency attached by ClinVar (database versions not stated): ExAC 0.00004; gnomAD exomes 0.00004; gnomAD 0.00005; ESP Exome Variant Server 0.00023.
gnomAD v4.1: 61 of 1,613,474 alleles (0.0038%); highest among the groups gnomAD compares: Non-Finnish European, 0.0049%; no homozygotes.

Submissions (3):

CeGaT Center for Human Genetics Tuebingen
Classification: Likely benign. Last evaluated: 2026-07-01. Review status: criteria provided, single submitter. Criteria: CeGaT Center For Human Genetics Tuebingen Variant Classification Criteria Version 2. Collection method: clinical testing. Allele origin: germline. Affected: yes. Observed: 1 variant allele.
Comment: RPL27: BP4, BP7

Labcorp Genetics (formerly Invitae), Labcorp
Classification: Likely benign. Last evaluated: 2024-11-14. Review status: criteria provided, single submitter. Criteria: Invitae Variant Classification Sherloc (09022015). Collection method: clinical testing. Allele origin: germline.

Blueprint Genetics
Classification: Likely benign. Last evaluated: 2024-10-17. Review status: criteria provided, single submitter. Criteria: ACMG Guidelines, 2015. Collection method: clinical testing. Allele origin: germline.